The following is an entry in ClinVar:

NM_031935.3(HMCN1):c.10165A>G (p.Ile3389Val)

Gene: HMCN1 (hemicentin 1; plus strand). Cytogenetic location: 1q31.1.
Variant type: single nucleotide variant.
Coding change: c.10165A>G on transcript NM_031935.3 (MANE Select); coding-DNA position 10165, A replaced by G.
Protein change: p.Ile3389Val; replaces isoleucine 3389 with valine.
Molecular consequence: missense variant.
Genome position (GRCh38, 1-based): chr1:186,093,638, A>G. VCF-style: chr1-186093638-A-G. GRCh37 (hg19) VCF-style: chr1-186062770-A-G.
Other names: short protein forms I3389V.
Identifiers: ClinVar variation 2172289 (VCV002172289.4), dbSNP rs375081393, ClinGen allele CA1293654.
Genomic context (GRCh38, chr1:186,093,638, plus strand): 5'-ACGCCTCCACCACAGATAAACTGGCTGAAGAATGGACTTCCTCTGCCTCTCTCCTCCCAT[A>G]TCCGGTTACTGGCAGCAGGACAAGTTATCAGGTCAGCTTTTATTGTGTCTGATTTCCTAA-3'
Protein context (NP_114141.2, residues 3379-3399): NGLPLPLSSH[Ile3389Val]RLLAAGQVIR

ClinVar aggregate classification (germline): Uncertain significance (1 of 4 stars; one submission).

Allele frequency attached by ClinVar (database versions not stated): ExAC 0.00001; gnomAD 0.00002; TOPMed 0.00002; gnomAD exomes 0.00003; ESP Exome Variant Server 0.00008.
gnomAD v4.1: 49 of 1,613,150 alleles (0.003%); highest among the groups gnomAD compares: Non-Finnish European, 0.004%; no homozygotes.

Submission:

Labcorp Genetics (formerly Invitae), Labcorp
Classification: Uncertain significance. Last evaluated: 2025-04-01. Review status: criteria provided, single submitter. Criteria: Invitae Variant Classification Sherloc (09022015). Collection method: clinical testing. Allele origin: germline.
Comment: This sequence change replaces isoleucine, which is neutral and non-polar, with valine, which is neutral and non-polar, at codon 3389 of the HMCN1 protein (p.Ile3389Val). This variant is present in population databases (rs375081393, gnomAD 0.004%). This variant has not been reported in the literature in individuals affected with HMCN1-related conditions. ClinVar contains an entry for this variant (Variation ID: 2172289). An algorithm developed to predict the effect of missense changes on protein structure and function outputs the following: PolyPhen-2: "Benign". The valine amino acid residue is found in multiple mammalian species, which suggests that this missense change does not adversely affect protein function. In summary, the available evidence is currently insufficient to determine the role of this variant in disease. Therefore, it has been classified as a Variant of Uncertain Significance.